The following is an entry in ClinVar:

NM_170606.3(KMT2C):c.5746A>G (p.Arg1916Gly)

Gene: KMT2C (lysine methyltransferase 2C; minus strand). Cytogenetic location: 7q36.1.
Variant type: single nucleotide variant.
Coding change: c.5746A>G on transcript NM_170606.3 (MANE Select); coding-DNA position 5746, A replaced by G.
Protein change: p.Arg1916Gly; replaces arginine 1916 with glycine.
Molecular consequence: missense variant.
Genome position (GRCh38, 1-based): chr7:152,182,114, T>C on the plus strand (A>G on the coding strand, the complement: KMT2C is on the minus strand). VCF-style: chr7-152182114-T-C. GRCh37 (hg19) VCF-style: chr7-151879199-T-C.
Other names: c.5746A>G (NM_170606.2); short protein forms R1916G.
Identifiers: ClinVar variation 1907626 (VCV001907626.7), dbSNP rs139187039, ClinGen allele CA4580197.
Genomic context (GRCh38, chr7:152,182,114, plus strand): 5'-GGGGCCTAGATACCGATGATAAAGGTGTACAGTTTTCCACTGGTGCAGCAGAATTTCTTC[T>C]GGAAAAACTATGGCCCACAGGAGGTGGTCGAGGGGTACCAACCATTTTTGCATATGGATC-3'
Protein context (NP_733751.2, residues 1906-1926): RPPPVGHSFS[Arg1916Gly]RNSAAPVENC

ClinVar aggregate classification (germline): Benign/Likely benign. Review status: criteria provided, multiple submitters, no conflicts (2 of 4 stars). 3 submissions from 3 submitters: Benign (1); Likely benign (2). Last evaluated 2026-03-05.

Conditions:
Inborn genetic diseases. Identifiers: MedGen C0950123, MeSH D030342.

Allele frequency attached by ClinVar (database versions not stated): TOPMed 0.00019; 1000 Genomes Project 0.00060; 1000 Genomes Project 30x 0.00062; ESP Exome Variant Server 0.00062; gnomAD exomes 0.00002; ExAC 0.00012; gnomAD 0.00019.
gnomAD v4.1: 56 of 1,614,210 alleles (0.0035%); highest among the groups gnomAD compares: African/African-American, 0.069%; no homozygotes.

Submissions (3):

Women's Health and Genetics/Laboratory Corporation of America, LabCorp
Classification: Likely benign. Last evaluated: 2026-03-05. Review status: criteria provided, single submitter. Criteria: LabCorp Variant Classification Summary - May 2015. Collection method: clinical testing. Allele origin: germline.
Comment: Variant summary: KMT2C c.5746A>G (p.Arg1916Gly) results in a non-conservative amino acid change in the encoded protein sequence. Algorithms developed to predict the effect of missense changes on protein structure and function are either unavailable or do not agree on the potential impact of this missense change. The variant allele was found at a frequency of 8.4e-05 in 251356 control chromosomes. To our knowledge, no occurrence of c.5746A>G in individuals affected with KMT2C-related conditions and no experimental evidence demonstrating its impact on protein function have been reported. ClinVar contains an entry for this variant (Variation ID: 1907626). Based on the evidence outlined above, the variant was classified as likely benign.

Ambry Genetics
Classification: Likely benign for Inborn genetic diseases. Last evaluated: 2024-02-12. Review status: criteria provided, single submitter. Criteria: Ambry Variant Classification Scheme 2023. Collection method: clinical testing. Allele origin: germline.

Labcorp Genetics (formerly Invitae), Labcorp
Classification: Benign. Last evaluated: 2022-11-12. Review status: criteria provided, single submitter. Criteria: Invitae Variant Classification Sherloc (09022015). Collection method: clinical testing. Allele origin: germline.